The following is an entry in ClinVar:

ClinVar aggregate classification (germline): Conflicting classifications of pathogenicity. Review status: criteria provided, conflicting classifications (1 of 4 stars). 4 submissions from 4 submitters: Uncertain significance (2); Likely benign (1). 1 of the submissions does not count toward it. Last evaluated 2025-07-02.

Conditions:
Charcot-Marie-Tooth Neuropathy X. Identifiers: MedGen CN118851.
Inborn genetic diseases. Identifiers: MedGen C0950123, MeSH D030342.
Charcot-Marie-Tooth disease. Also called: Charcot-Marie-Tooth Hereditary Neuropathy; Charcot-Marie-Tooth Neuropathy. Identifiers: Orphanet 166, MedGen C0007959, MONDO:0015626.

Allele frequency attached by ClinVar (database versions not stated): gnomAD exomes below 0.00001; TOPMed 0.00001.
gnomAD v4.1: 6 of 1,209,877 alleles (0.0005%); highest among the groups gnomAD compares: Middle Eastern, 0.023%; no homozygotes.

Submissions (4):

Ambry Genetics
Classification: Uncertain significance for Inborn genetic diseases. Last evaluated: 2025-07-02. Review status: criteria provided, single submitter. Criteria: Ambry Variant Classification Scheme 2023. Collection method: clinical testing. Allele origin: germline.

Labcorp Genetics (formerly Invitae), Labcorp
Classification: Likely benign for Charcot-Marie-Tooth Neuropathy X. Last evaluated: 2025-05-05. Review status: criteria provided, single submitter. Criteria: Invitae Variant Classification Sherloc (09022015). Collection method: clinical testing. Allele origin: germline.

GeneDx
Classification: Uncertain significance. Last evaluated: 2017-01-26. Review status: criteria provided, single submitter. Criteria: GeneDx Variant Classification (06012015). Collection method: clinical testing. Allele origin: germline. Affected: yes.
Comment: The R220Q variant in the GJB1 gene has not been reported previously as a pathogenic variant, nor as a benign variant, to our knowledge. The R220Q variant was not observed in approximately 6,500 individuals of European and African American ancestry in the NHLBI Exome Sequencing Project, indicating it is not a common benign variant in these populations. The R220Q variant is a semi-conservative amino acid substitution, which may impact secondary protein structure as these residues differ in some properties. This substitution occurs at a position that is conserved in mammals. In silico analysis is inconsistent in its predictions as to whether or not the variant is damaging to the protein structure/function. We interpret R220Q as a variant of uncertain significance.

Natera, Inc.
Classification: Uncertain significance for Charcot-Marie-Tooth disease. Last evaluated: 2021-02-17. Review status: no assertion criteria provided. Collection method: clinical testing. Allele origin: germline. Not counted in ClinVar's aggregate classification.

NM_000166.6(GJB1):c.659G>A (p.Arg220Gln)

Gene: GJB1 (gap junction protein beta 1; plus strand). Cytogenetic location: Xq13.1.
Variant type: single nucleotide variant.
Coding change: c.659G>A on transcript NM_000166.6 (MANE Select); coding-DNA position 659, G replaced by A.
Protein change: p.Arg220Gln; replaces arginine 220 with glutamine.
Molecular consequence: missense variant.
Genome position (GRCh38, 1-based): chrX:71,224,366, G>A. VCF-style: chrX-71224366-G-A. GRCh37 (hg19) VCF-style: chrX-70444216-G-A.
Other names: c.659G>A, p.Arg220Gln (NM_001097642.3); short protein forms R220Q.
Identifiers: ClinVar variation 393124 (VCV000393124.8), dbSNP rs1057524799, ClinGen allele CA16608986.